The following is an entry in ClinVar:

NM_018076.5(ODAD2):c.1669G>T (p.Glu557Ter)

Gene: ODAD2 (outer dynein arm docking complex subunit 2; minus strand). Cytogenetic location: 10p12.1.
Variant type: single nucleotide variant.
Coding change: c.1669G>T on transcript NM_018076.5 (MANE Select); coding-DNA position 1669, G replaced by T.
Protein change: p.Glu557Ter; replaces glutamic acid 557 with a stop codon.
Molecular consequence: nonsense.
Genome position (GRCh38, 1-based): chr10:27,944,296, C>A on the plus strand (G>T on the coding strand, the complement: ODAD2 is on the minus strand). VCF-style: chr10-27944296-C-A. GRCh37 (hg19) VCF-style: chr10-28233225-C-A.
Other names: c.1669G>T, p.Glu557Ter (NM_001290020.2); c.244G>T, p.Glu82Ter (NM_001290021.2); c.745G>T, p.Glu249Ter (NM_001312689.2); c.1669G>T (NM_018076.3); short protein forms E557*, E82*, E249*.
Identifiers: ClinVar variation 208997 (VCV000208997.19), dbSNP rs145742175, ClinGen allele CA346942.

ClinVar aggregate classification (germline): Pathogenic. Review status: criteria provided, multiple submitters, no conflicts (2 of 4 stars). 6 submissions from 6 submitters: Pathogenic (6). Last evaluated 2025-11-18.

Conditions:
ARMC4-related disorders.
Primary ciliary dyskinesia 23 (CILD23). Also called: CILIARY DYSKINESIA, PRIMARY, 23, WITH OR WITHOUT SITUS INVERSUS. Identifiers: Orphanet 244, MedGen C3809548, MONDO:0014193, OMIM 615451.

Allele frequency attached by ClinVar (database versions not stated): TOPMed 0.00003; gnomAD 0.00013.
gnomAD v4.1: 128 of 1,613,916 alleles (0.0079%); highest among the groups gnomAD compares: Non-Finnish European, 0.01%; no homozygotes.

Submissions (6):

GeneDx
Classification: Pathogenic. Last evaluated: 2025-11-18. Review status: criteria provided, single submitter. Criteria: GeneDx Variant Classification Process June 2021. Collection method: clinical testing. Allele origin: germline.
Comment: Nonsense variant predicted to result in protein truncation or nonsense mediated decay in a gene for which loss of function is a known mechanism of disease; This variant is associated with the following publications: (PMID: 32253119, 23849778)

First Genomix Gene Laboratory, Genetic Diagnostics Department
Classification: Pathogenic for Primary ciliary dyskinesia 23. Last evaluated: 2025-09-19. Review status: criteria provided, single submitter. Criteria: ACMG Guidelines, 2015. Collection method: clinical testing. Allele origin: germline. Inheritance: Autosomal recessive inheritance. Affected: no. Observed: 1 variant allele.

Labcorp Genetics (formerly Invitae), Labcorp
Classification: Pathogenic for Primary ciliary dyskinesia 23. Last evaluated: 2025-03-06. Review status: criteria provided, single submitter. Criteria: Invitae Variant Classification Sherloc (09022015). Collection method: clinical testing. Allele origin: germline.
Comment: This sequence change creates a premature translational stop signal (p.Glu557*) in the ARMC4 gene. It is expected to result in an absent or disrupted protein product. Loss-of-function variants in ARMC4 are known to be pathogenic (PMID: 23849778). This variant is present in population databases (rs145742175, gnomAD 0.007%). This premature translational stop signal has been observed in individual(s) with primary ciliary dyskensia (PMID: 23849778). ClinVar contains an entry for this variant (Variation ID: 208997). Algorithms developed to predict the effect of sequence changes on RNA splicing suggest that this variant may disrupt the consensus splice site. For these reasons, this variant has been classified as Pathogenic.

Blueprint Genetics
Classification: Pathogenic for ARMC4-related disorders. Last evaluated: 2023-04-13. Review status: criteria provided, single submitter. Criteria: ACMG Guidelines, 2015. Collection method: clinical testing. Allele origin: germline. Affected: yes. Observed: 3 variant alleles.

Eurofins Ntd Llc (ga)
Classification: Pathogenic. Last evaluated: 2015-09-14. Review status: criteria provided, single submitter. Criteria: EGL Classification Definitions 2015. Collection method: clinical testing. Allele origin: germline. Observed: 1 variant allele, 1 heterozygote.

Lupski Lab, Baylor-Hopkins CMG, Baylor College of Medicine
Classification: Pathogenic for Primary ciliary dyskinesia 23. Last evaluated: 2013-04-03. Review status: criteria provided, single submitter. Criteria: Hjeij et al. (Am J Hum Genet. 2013). Collection method: research. Allele origin: germline. Inheritance: Autosomal recessive inheritance. Affected: yes. Observed: 2 variant alleles, 1 compound heterozygote, 1 homozygote.
Comment: This compound heterzygous mutation was predicted to be loss-of-function.

Literature cited by the submitters: PubMed 23849778 (cited by Labcorp Genetics (formerly Invitae), Labcorp).